The following is an entry in ClinVar:

ClinVar aggregate classification (germline): Uncertain significance (1 of 4 stars; one submission).

Conditions:
Inborn genetic diseases. Identifiers: MedGen C0950123, MeSH D030342.

gnomAD v4.1: 1 of 1,612,384 alleles (0.000062%); highest among the groups gnomAD compares: Non-Finnish European, 0.000085%; no homozygotes.

Submission:

Ambry Genetics
Classification: Uncertain significance for Inborn genetic diseases. Last evaluated: 2025-08-23. Review status: criteria provided, single submitter. Criteria: Ambry Variant Classification Scheme 2023. Collection method: clinical testing. Allele origin: germline.
Comment: The p.T1377I variant (also known as c.4130C>T), located in coding exon 1 of the SAMD9L gene, results from a C to T substitution at nucleotide position 4130. The threonine at codon 1377 is replaced by isoleucine, an amino acid with similar properties. This amino acid position is conserved. In addition, this alteration is predicted to be tolerated by in silico analysis. Based on the available evidence, the clinical significance of this variant remains unclear.

NM_152703.5(SAMD9L):c.4130C>T (p.Thr1377Ile)

Gene: SAMD9L (sterile alpha motif domain containing 9 like; minus strand). Cytogenetic location: 7q21.2.
Variant type: single nucleotide variant.
Coding change: c.4130C>T on transcript NM_152703.5 (MANE Select); coding-DNA position 4130, C replaced by T.
Protein change: p.Thr1377Ile; replaces threonine 1377 with isoleucine.
Molecular consequence: missense variant.
Genome position (GRCh38, 1-based): chr7:93,131,842, G>A on the plus strand (C>T on the coding strand, the complement: SAMD9L is on the minus strand). VCF-style: chr7-93131842-G-A. GRCh37 (hg19) VCF-style: chr7-92761155-G-A.
Other names: c.4130C>T, p.Thr1377Ile (NM_001303496.3, NM_001303497.3, NM_001303498.3 and 5 more transcripts); short protein forms T1377I.
Identifiers: ClinVar variation 4159432 (VCV004159432.1).